The following is an entry in ClinVar:

ClinVar aggregate classification (germline): Likely benign (0 of 4 stars; one submission).

Conditions:
ABCA4-related disorder. Also called: ABCA4-related disorders; ABCA4-related condition. Identifiers: MedGen CN239167.

Allele frequency attached by ClinVar (database versions not stated): gnomAD exomes below 0.00001; ExAC 0.00002.
gnomAD v4.1: 6 of 1,608,430 alleles (0.00037%); highest among the groups gnomAD compares: South Asian, 0.0066%; no homozygotes.

Submission:

PreventionGenetics, part of Exact Sciences
Classification: Likely benign for ABCA4-related condition. Last evaluated: 2021-06-24. Review status: no assertion criteria provided. Collection method: clinical testing. Allele origin: germline.
Comment: This variant is classified as likely benign based on ACMG/AMP sequence variant interpretation guidelines (Richards et al. 2015 PMID: 25741868, with internal and published modifications).

NM_000350.3(ABCA4):c.3863-8C>T

Gene: ABCA4 (ATP binding cassette subfamily A member 4; minus strand). Cytogenetic location: 1p22.1.
Variant type: single nucleotide variant.
Coding change: c.3863-8C>T on transcript NM_000350.3 (MANE Select); 8 bases into the intron before coding-DNA position 3863, C replaced by T.
Molecular consequence: intron variant.
Genome position (GRCh38, 1-based): chr1:94,032,051, G>A on the plus strand (C>T on the coding strand, the complement: ABCA4 is on the minus strand). VCF-style: chr1-94032051-G-A. GRCh37 (hg19) VCF-style: chr1-94497607-G-A.
Identifiers: ClinVar variation 3061301 (VCV003061301.2), dbSNP rs749044931, ClinGen allele CA957785.